The following is an entry in ClinVar:

NM_004991.4(MECOM):c.784A>G (p.Ile262Val)

Gene: MECOM (MDS1 and EVI1 complex locus; minus strand). Cytogenetic location: 3q26.2.
Variant type: single nucleotide variant.
Coding change: c.784A>G on transcript NM_004991.4 (MANE Select); coding-DNA position 784, A replaced by G.
Protein change: p.Ile262Val; replaces isoleucine 262 with valine.
Molecular consequence: missense variant.
Genome position (GRCh38, 1-based): chr3:169,127,890, T>C on the plus strand (A>G on the coding strand, the complement: MECOM is on the minus strand). VCF-style: chr3-169127890-T-C. GRCh37 (hg19) VCF-style: chr3-168845678-T-C.
Other names: c.412A>G, p.Ile138Val (NM_001105077.4); c.220A>G, p.Ile74Val (NM_001105078.4, NM_001163999.2, NM_001164000.2 and 9 more transcripts); c.784A>G, p.Ile262Val (NM_001366466.2, NM_001366473.2); short protein forms I138V, I262V, I74V.
Identifiers: ClinVar variation 4053340 (VCV004053340.1).

ClinVar aggregate classification (germline): Uncertain significance (1 of 4 stars; one submission).

Conditions:
Inborn genetic diseases. Identifiers: MedGen C0950123, MeSH D030342.

gnomAD v4.1: 2 of 1,614,044 alleles (0.00012%); highest among the groups gnomAD compares: Non-Finnish European, 0.00017%; no homozygotes.

Submission:

Ambry Genetics
Classification: Uncertain significance for Inborn genetic diseases. Last evaluated: 2025-06-12. Review status: criteria provided, single submitter. Criteria: Ambry Variant Classification Scheme 2023. Collection method: clinical testing. Allele origin: germline.
Comment: The p.I262V variant (also known as c.784A>G), located in coding exon 5 of the MECOM gene, results from an A to G substitution at nucleotide position 784. The isoleucine at codon 262 is replaced by valine, an amino acid with highly similar properties. This amino acid position is conserved. In addition, this alteration is predicted to be tolerated by in silico analysis. Based on the available evidence, the clinical significance of this variant remains unclear.